The following is an entry in ClinVar:

ClinVar aggregate classification (germline): Uncertain significance (1 of 4 stars; one submission).

Conditions:
PLXNA1-related disorder. Also called: PLXNA1-related condition.

gnomAD v4.1: 5 of 1,613,116 alleles (0.00031%); highest among the groups gnomAD compares: South Asian, 0.0022%; no homozygotes.

Submission:

PreventionGenetics, part of Exact Sciences
Classification: Uncertain significance for PLXNA1-related condition. Last evaluated: 2026-07-22. Review status: criteria provided, single submitter. Criteria: ACMG Guidelines, 2015. Collection method: clinical testing. Allele origin: germline.
Comment: The PLXNA1 c.3973C>T variant is predicted to result in the amino acid substitution p.Arg1325Trp. To our knowledge, this variant has not been reported in the literature. This variant is reported in 0.0029% of alleles in individuals of Latino descent in gnomAD. At this time, the clinical significance of this variant is uncertain due to the absence of conclusive functional and genetic evidence.

NM_032242.4(PLXNA1):c.3973C>T (p.Arg1325Trp)

Gene: PLXNA1 (plexin A1; plus strand). Cytogenetic location: 3q21.3.
Variant type: single nucleotide variant.
Coding change: c.3973C>T on transcript NM_032242.4 (MANE Select); coding-DNA position 3973, C replaced by T.
Protein change: p.Arg1325Trp; replaces arginine 1325 with tryptophan.
Molecular consequence: missense variant.
Genome position (GRCh38, 1-based): chr3:127,020,279, C>T. VCF-style: chr3-127020279-C-T. GRCh37 (hg19) VCF-style: chr3-126739122-C-T.
Other names: short protein forms R1325W.
Identifiers: ClinVar variation 4988085 (VCV004988085.1).